The following is an entry in ClinVar:

NM_001457.4(FLNB):c.502G>A (p.Gly168Ser)

Gene: FLNB (filamin B; plus strand). Cytogenetic location: 3p14.3.
Variant type: single nucleotide variant.
Coding change: c.502G>A on transcript NM_001457.4 (MANE Select); coding-DNA position 502, G replaced by A.
Protein change: p.Gly168Ser; replaces glycine 168 with serine.
Molecular consequence: missense variant.
Genome position (GRCh38, 1-based): chr3:58,077,255, G>A. VCF-style: chr3-58077255-G-A. GRCh37 (hg19) VCF-style: chr3-58062982-G-A.
Other names: c.502G>A, p.Gly168Ser (NM_001164317.2, NM_001164318.2, NM_001164319.2); short protein forms G168S.
Identifiers: ClinVar variation 38961 (VCV000038961.15), dbSNP rs80356504, ClinGen allele CA343270.
Genomic context (GRCh38, chr3:58,077,255, plus strand): 5'-TGGATTCAGAACAAGATCCCCTACTTGCCCATCACCAACTTTAACCAGAACTGGCAAGAC[G>A]GCAAAGCCCTGGGAGCCCTGGTAGACAGCTGTGCTCCAGGTAAGTGGCCAGGGCTGCCTA-3'
Protein context (NP_001448.2, residues 158-178): ITNFNQNWQD[Gly168Ser]KALGALVDSC

ClinVar aggregate classification (germline): Pathogenic/Likely pathogenic. Review status: criteria provided, multiple submitters, no conflicts (2 of 4 stars). 9 submissions from 9 submitters: Pathogenic (7); Likely pathogenic (1). 1 of the submissions does not count toward it. Last evaluated 2026-01-30.

Conditions:
FLNB-related disorder. Also called: FLNB-related condition; FLNB-related disorders. Identifiers: MedGen CN381095.
Inborn genetic diseases. Identifiers: MedGen C0950123, MeSH D030342.
Larsen syndrome (LRS). Also called: Larsen syndrome (FLNB-LS); Bilateral dislocation of the knees, pes cavus, cylindrically shaped fingers and characteristic facies. Identifiers: Orphanet 503, MedGen C0175778, MONDO:0007875, OMIM 150250. Disease mechanism: loss of function.
Boomerang dysplasia. Identifiers: Orphanet 1263, MedGen C0432201, MONDO:0007208, OMIM 112310.
Spondylocarpotarsal synostosis syndrome (SCT). Also called: Spondylocarpotarsal Synostosis Syndrome (FLNB-SCT); Synspondylism congenital; Scoliosis, congenital with unilateral unsegmented bar; SPONDYLOCARPOTARSAL SYNDROME; VERTEBRAL FUSION WITH CARPAL COALITION. Identifiers: Orphanet 3275, MedGen C1848934, MONDO:0010094, OMIM 272460.
Atelosteogenesis type I. Also called: Atelosteogenesis Type 1 (FLNB-AO1); GIANT CELL CHONDRODYSPLASIA; SPONDYLOHUMEROFEMORAL HYPOPLASIA. Identifiers: Orphanet 1190, MedGen C0265283, MONDO:0007167, OMIM 108720.
Atelosteogenesis type III. Also called: Atelosteogenesis Type 3 (FLNB-AO3). Identifiers: Orphanet 56305, MedGen C3668942, MONDO:0007168, OMIM 108721.

Submissions (9):

Department of Human Genetics, Hannover Medical School
Classification: Pathogenic for Larsen syndrome. Last evaluated: 2026-01-30. Review status: criteria provided, single submitter. Criteria: ACMG Guidelines, 2015. Collection method: clinical testing. Allele origin: germline. Affected: yes.
Comment: ACMG/SVI: PS2, PS4_Supporting, PP3_Strong, PM2_Supporting, PP1, PP4 (PMID: 16752402, 16801345, 19085972, 22190451, 30712878)

3billion
Classification: Pathogenic for FLNB-related disorder. Last evaluated: 2025-12-18. Review status: criteria provided, single submitter. Criteria: ACMG Guidelines, 2015. Collection method: clinical testing. Allele origin: germline. Affected: yes.
Comment: The variant is not observed in the gnomAD v4.1.0 dataset. Predicted Consequence/Location: Missense variant In silico tool predictions suggest damaging effect of the variant on gene or gene product [REVEL: 0.98 (>=0.6, sensitivity 0.68 and specificity 0.92); 3Cnet: 0.99 (> 0.75, sensitivity 0.96 and precision 0.92)]. The same nucleotide change resulting in the same amino acid change has been previously reported as pathogenic/likely pathogenic with strong evidence (ClinVar ID: VCV000038961 /PMID: 16752402 /3billion dataset). The variant has been previously reported as de novo in a similarly affected individual (PMID: 30712878). Different missense changes at the same codon (p.Gly168Cys, p.Gly168Val) have been reported to be associated with FLNB-related disorder (ClinVar ID: VCV000812028 /PMID: 22190451). Therefore, this variant is classified as Pathogenic according to the recommendation of ACMG/AMP guideline.

Labcorp Genetics (formerly Invitae), Labcorp
Classification: Pathogenic. Last evaluated: 2025-07-06. Review status: criteria provided, single submitter. Criteria: Invitae Variant Classification Sherloc (09022015). Collection method: clinical testing. Allele origin: germline.
Comment: This sequence change replaces glycine, which is neutral and non-polar, with serine, which is neutral and polar, at codon 168 of the FLNB protein (p.Gly168Ser). This variant is not present in population databases (gnomAD no frequency). This missense change has been observed in individual(s) with autosomal dominant FLNB-related conditions (PMID: 16752402, 16801345, 22190451). In at least one individual the variant was observed to be de novo. ClinVar contains an entry for this variant (Variation ID: 38961). Invitae Evidence Modeling of protein sequence and biophysical properties (such as structural, functional, and spatial information, amino acid conservation, physicochemical variation, residue mobility, and thermodynamic stability) indicates that this missense variant is expected to disrupt FLNB protein function with a positive predictive value of 80%. Experimental studies are conflicting or provide insufficient evidence to determine the effect of this variant on FLNB function (PMID: 26491051). For these reasons, this variant has been classified as Pathogenic.

Ambry Genetics
Classification: Pathogenic for Inborn genetic diseases. Last evaluated: 2024-05-31. Review status: criteria provided, single submitter. Criteria: Ambry Variant Classification Scheme 2023. Collection method: clinical testing. Allele origin: germline.
Comment: The c.502G>A (p.G168S) alteration is located in exon 2 (coding exon 2) of the FLNB gene. This alteration results from a G to A substitution at nucleotide position 502, causing the glycine (G) at amino acid position 168 to be replaced by a serine (S). for autosomal dominant FLNB-related skeletal disorders; however, its clinical significance for autosomal recessive Spondylocarpotarsal synostosis syndrome is uncertain. This variant was not reported in population-based cohorts in the Genome Aggregation Database (gnomAD). This variant was reported in multiple individuals with features consistent with FLNB-related skeletal disorders, including multiple de novo occurrences (Farrington-Rock, 2006; Bicknell, 2007; Winer, 2009; Petrovski, 2019; Daniel, 2012). Two other alterations at the same codon, c.502G>T (p.G168C) and c.503G>T (p.G168V), have been described individuals with features consistent with FLNB-related skeletal disorders (Daniel, 2012). In an assay testing FLNB function, this variant showed a functionally indeterminant result (Zhao, 2016). This alteration is predicted to be deleterious by in silico analysis. Based on the available evidence, this alteration is classified as pathogenic.

Center for Personalized Medicine, Children's Hospital Los Angeles
Classification: Likely pathogenic. Last evaluated: 2022-12-21. Review status: criteria provided, single submitter. Criteria: ACMG Guidelines, 2015. Collection method: clinical testing. Allele origin: unknown. Affected: yes.

Blueprint Genetics
Classification: Pathogenic for FLNB-related disorders. Last evaluated: 2019-10-11. Review status: criteria provided, single submitter. Criteria: ACMG Guidelines, 2015. Collection method: clinical testing. Allele origin: germline. Affected: yes. Observed: 1 variant allele.

Clinical Biomedical Laboratory, Shriners Hospital For Children - Canada
Classification: Pathogenic for Larsen syndrome. Review status: criteria provided, single submitter. Criteria: ACMG Guidelines, 2015. Collection method: clinical testing. Allele origin: germline. Affected: yes.
Comment: This variant is predicted to substitute a glycine residue by a serine residue in FLNB. This variant is absent in the Genome Aggregation Database (gnomAD v2.1.1), indicating it is very rare. Computational tools (REVEL: 0.98) suggest that the amino acid change is deleterious to protein function. This variant has been reported as a cause of Larsen syndrome in several publications (e.g. PMID 16801345). Based on the ACMG variant interpretation guidelines (criteria: PS3, PM2, PM5, PP3, PP4, PP5), the available evidence supports classification of this variant as pathogenic.

Juno Genomics, Hangzhou Juno Genomics, Inc
Classification: Pathogenic for Atelosteogenesis type I; Atelosteogenesis type III; Boomerang dysplasia; Larsen syndrome; Spondylocarpotarsal synostosis syndrome. Review status: criteria provided, single submitter. Criteria: ACMG Guidelines, 2015. Collection method: clinical testing. Allele origin: germline. Affected: yes.
Comment: Absent from controls (or at extremely low frequency if recessive) in Genome Aggregation Database, Exome Sequencing Project, 1000 Genomes Project, or Exome Aggregation Consortium.;Multiple lines of computational evidence support a deleterious effect on the gene or gene product (conservation, evolutionary, splicing impact, etc).;Missense variant in a gene that has a low rate of benign missense variation and where missense variants are a common mechanism of disease.;The prevalence of the variant in affected individuals is significantly increased compared to the prevalence in controls.;Assumed de novo, but without confirmation of paternity and maternity.

GeneReviews
No classification provided. Condition: FLNB-related disorder. Review status: no classification provided. Collection method: literature only. Allele origin: unknown. Not counted in ClinVar's aggregate classification.

Literature cited by the submitters: PubMed 22190451 (cited by 3 submitters); PubMed 30712878 (cited by 3billion and Ambry Genetics); PubMed 16752402 (cited by 3 submitters); PubMed 16801345 (cited by Labcorp Genetics (formerly Invitae), Labcorp and Ambry Genetics); PubMed 26491051 (cited by Labcorp Genetics (formerly Invitae), Labcorp and Ambry Genetics); PubMed 19085972 (cited by Ambry Genetics); PubMed 20301736 (cited by GeneReviews); NCBI Bookshelf NBK2534 (cited by GeneReviews).